The following is an entry in ClinVar:

NM_001110556.2(FLNA):c.2026_2029dup (p.Ala677fs)

Gene: FLNA (filamin A; minus strand). Cytogenetic location: Xq28.
Variant type: Duplication.
Coding change: c.2026_2029dup on transcript NM_001110556.2 (MANE Select); coding-DNA positions 2026 to 2029, 4 bases duplicated (AAGG; older notation c.2026_2029dupAAGG).
Protein change: p.Ala677fs; shifts the reading frame from alanine 677.
Molecular consequence: frameshift variant.
Genome position (GRCh38, 1-based): chrX:154,364,366-154,364,369, CCTT duplicated on the plus strand (AAGG on the coding strand, the reverse complement: FLNA is on the minus strand); duplicating any 4 consecutive bases within chrX:154,364,366-154,364,370 gives the same sequence; the c. name uses the placement nearest the transcript's 3' end. VCF-style (leftmost placement, unchanged base first): chrX-154364365-G-GCCTT. GRCh37 (hg19) VCF-style: chrX-153592733-G-GCCTT.
Other names: c.2026_2029dup, p.Ala677fs (NM_001456.4); short protein forms A677fs.
Identifiers: ClinVar variation 2948765 (VCV002948765.3), dbSNP rs2522753973, ClinGen allele CA2740090208.
Genomic context (GRCh38, chrX:154,364,365, plus strand): 5'-ACTGTGAACTCTGCTGGCTTGTTGACGGCCACACCTGTCTTCTCCAATCCAGGCCCACGT[G>GCCTT]CCTTCACCTAGCGGGAGACCACCCAGCTGTCAGGGGGCCAGGTCCAGGCTGCCAGAGCTA-3'

ClinVar aggregate classification (germline): Pathogenic (1 of 4 stars; one submission).

Conditions:
Oto-palato-digital syndrome, type II (OPD2). Also called: FACIOPALATOOSSEOUS SYNDROME; OPD II SYNDROME; Otopalatodigital Syndrome, Type II; Otopalatodigital Syndrome Type 2 (FLNA-OPD2). Identifiers: Orphanet 669, Orphanet 90652, MedGen C1844696, MONDO:0010571, OMIM 304120.
Heterotopia, periventricular, X-linked dominant (PVNH1). Also called: PERIVENTRICULAR NODULAR HETEROTOPIA 1; X-linked periventricular heterotopia; PERIVENTRICULAR NODULAR HETEROTOPIA 4; HETEROTOPIA, PERIVENTRICULAR, 1. Identifiers: Orphanet 2149, Orphanet 82004, MedGen C1848213, MONDO:0010233, OMIM 300049.
Frontometaphyseal dysplasia (FMD1). Identifiers: Orphanet 1826, MedGen C0265293, MONDO:0015942.
Melnick-Needles syndrome (MNS). Also called: MELNICK-NEEDLES OSTEODYSPLASTY; OSTEODYSPLASTY OF MELNICK AND NEEDLES; Melnick-Needles Syndrome (FLNA-MNS). Identifiers: Orphanet 2484, MedGen C0025237, MONDO:0010650, OMIM 309350.

Submission:

Labcorp Genetics (formerly Invitae), Labcorp
Classification: Pathogenic for Oto-palato-digital syndrome, type II; Heterotopia, periventricular, X-linked dominant; Frontometaphyseal dysplasia; Melnick-Needles syndrome. Last evaluated: 2023-06-11. Review status: criteria provided, single submitter. Criteria: Invitae Variant Classification Sherloc (09022015). Collection method: clinical testing. Allele origin: germline.
Comment: This sequence change creates a premature translational stop signal (p.Ala677Glufs*40) in the FLNA gene. It is expected to result in an absent or disrupted protein product. Loss-of-function variants in FLNA are known to be pathogenic (PMID: 16684786, 20730588, 26471271). This variant is not present in population databases (gnomAD no frequency). This variant has not been reported in the literature in individuals affected with FLNA-related conditions. For these reasons, this variant has been classified as Pathogenic.

Literature cited by the submitters: PubMed 16684786; PubMed 20730588; PubMed 26471271.